The following is an entry in ClinVar:

NR_029681.1(MIR140):n.24A>G

Genes: MIR140 (microRNA 140; plus strand), WWP2 (WW domain containing E3 ubiquitin protein ligase 2; plus strand). Cytogenetic location: 16q22.1.
Variant type: single nucleotide variant.
Molecular consequence: intron variant (on NM_001270454.2). On other transcripts: non-coding transcript variant (1).
Genome position: GRCh38 VCF-style: chr16-69933104-A-G. GRCh37 (hg19) VCF-style: chr16-69967007-A-G.
Other names: 24A-G; c.1683-866A>G (NM_007014.5, NM_001270454.2); c.1335-866A>G (NM_001270453.2); c.366-866A>G (NM_199424.3).
Identifiers: ClinVar variation 599186 (VCV000599186.4), dbSNP rs1567443039, ClinGen allele CA496176933.

ClinVar aggregate classification (germline): Pathogenic. Review status: no assertion criteria provided (0 of 4 stars). 2 submissions from 2 submitters: Pathogenic (2). Last evaluated 2019-10-09.

Conditions:
Spondyloepiphyseal dysplasia MIR140 type Nishimura.
Spondyloepiphyseal dysplasia, nishimura type. Identifiers: MedGen C4305147, MONDO:0032835, OMIM 618618.

Submissions (2):

OMIM
Classification: Pathogenic for SPONDYLOEPIPHYSEAL DYSPLASIA, NISHIMURA TYPE. Last evaluated: 2019-10-09. Review status: no assertion criteria provided. Collection method: literature only. Allele origin: germline.

Rare Disease Group, Clinical Genetics, Karolinska Institutet
Classification: Pathogenic for Spondyloepiphyseal dysplasia MIR140 type Nishimura. Last evaluated: 2017-08-01. Review status: no assertion criteria provided. Collection method: clinical testing. Allele origin: de novo, maternal. Inheritance: Autosomal dominant inheritance. Affected: yes. Observed: 3 heterozygotes. Clinical features observed: Spondyloepiphyseal dysplasia MIR140 type Nishimura.
Comment: This variant causes a novel skeletal dysplasia. It has been identified in three patients. Two of them are not related. Functional studies on transgenic mice confirmed its pathogenicity.

Literature cited by the submitters: PubMed 30804514 (cited by OMIM).